The following is an entry in ClinVar:

NM_006852.6(TLK2):c.1305G>A (p.Thr435=)

Gene: TLK2 (tousled like kinase 2; plus strand). Cytogenetic location: 17q23.2.
Variant type: single nucleotide variant.
Coding change: c.1305G>A on transcript NM_006852.6 (MANE Select); coding-DNA position 1305, G replaced by A.
Protein change: p.Thr435=; no amino-acid change (threonine 435 retained).
Molecular consequence: synonymous variant.
Genome position (GRCh38, 1-based): chr17:62,580,129, G>A. VCF-style: chr17-62580129-G-A. GRCh37 (hg19) VCF-style: chr17-60657490-G-A.
Other names: c.1371G>A, p.Thr457= (NM_001284333.3); c.1209G>A, p.Thr403= (NM_001284363.1, NM_001375272.1, NM_001438203.1 and 1 more transcripts); c.858G>A, p.Thr286= (NM_001330418.3, NM_001375273.1); c.1347G>A, p.Thr449= (NM_001375269.1); c.1305G>A, p.Thr435= (NM_001375270.1, NM_001375271.1); c.1020G>A, p.Thr340= (NM_001411074.1); c.1116G>A, p.Thr372= (NM_001438205.1).
Identifiers: ClinVar variation 4681346 (VCV004681346.5).
Genomic context (GRCh38, chr17:62,580,129, plus strand): 5'-AGTCCATGATCTCAGGGTGTTACATGTTCCCTGTTTCCACAGATTTAAAGATCATCCAAC[G>A]CTAAATGACAGATATTTGTTGTTACATCTTTTGGGTAGAGGAGGTTTCAGTGAAGTTTAC-3'
Protein context (NP_006843.2, residues 425-445): EDNSQFKDHP[Thr435=]LNDRYLLLHL

ClinVar aggregate classification (germline): Likely benign (1 of 4 stars; one submission).

gnomAD v4.1: 25 of 1,612,550 alleles (0.0016%); highest among the groups gnomAD compares: South Asian, 0.0077%; no homozygotes.

Submission:

CeGaT Center for Human Genetics Tuebingen
Classification: Likely benign. Last evaluated: 2025-12-01. Review status: criteria provided, single submitter. Criteria: CeGaT Center For Human Genetics Tuebingen Variant Classification Criteria Version 2. Collection method: clinical testing. Allele origin: germline. Affected: yes. Observed: 1 variant allele.
Comment: TLK2: BP4, BP7